The following is an entry in ClinVar:

NM_001430.5(EPAS1):c.2285A>T (p.Asn762Ile)

Gene: EPAS1 (endothelial PAS domain protein 1; plus strand). Cytogenetic location: 2p21.
Variant type: single nucleotide variant.
Coding change: c.2285A>T on transcript NM_001430.5 (MANE Select); coding-DNA position 2285, A replaced by T.
Protein change: p.Asn762Ile; replaces asparagine 762 with isoleucine.
Molecular consequence: missense variant.
Genome position (GRCh38, 1-based): chr2:46,382,087, A>T. VCF-style: chr2-46382087-A-T. GRCh37 (hg19) VCF-style: chr2-46609226-A-T.
Other names: short protein forms N762I.
Identifiers: ClinVar variation 2497576 (VCV002497576.2), dbSNP rs372745004, ClinGen allele CA346705925.

ClinVar aggregate classification (germline): Uncertain significance (1 of 4 stars; one submission).

Conditions:
Inborn genetic diseases. Identifiers: MedGen C0950123, MeSH D030342.

gnomAD v4.1: 4 of 1,613,490 alleles (0.00025%); highest among the groups gnomAD compares: East Asian, 0.0089%; no homozygotes.

Submission:

Ambry Genetics
Classification: Uncertain significance for Inborn genetic diseases. Last evaluated: 2023-01-11. Review status: criteria provided, single submitter. Criteria: Ambry Variant Classification Scheme 2023. Collection method: clinical testing. Allele origin: germline.
Comment: The p.N762I variant (also known as c.2285A>T), located in coding exon 14 of the EPAS1 gene, results from an A to T substitution at nucleotide position 2285. The asparagine at codon 762 is replaced by isoleucine, an amino acid with dissimilar properties. This amino acid position is conserved. In addition, this alteration is predicted to be tolerated by in silico analysis. Since supporting evidence is limited at this time, the clinical significance of this alteration remains unclear.